The following is an entry in ClinVar:

NM_003640.5(ELP1):c.1339C>T (p.Gln447Ter)

Gene: ELP1 (elongator acetyltransferase complex subunit 1; minus strand). Cytogenetic location: 9q31.3.
Variant type: single nucleotide variant.
Coding change: c.1339C>T on transcript NM_003640.5 (MANE Select); coding-DNA position 1339, C replaced by T.
Protein change: p.Gln447Ter; replaces glutamine 447 with a stop codon.
Molecular consequence: nonsense.
Genome position (GRCh38, 1-based): chr9:108,911,031, G>A on the plus strand (C>T on the coding strand, the complement: ELP1 is on the minus strand). VCF-style: chr9-108911031-G-A. GRCh37 (hg19) VCF-style: chr9-111673311-G-A.
Other names: c.997C>T, p.Gln333Ter (NM_001318360.2); c.292C>T, p.Gln98Ter (NM_001330749.2); c.1339C>T (NM_003640.4); short protein forms Q333*, Q447*, Q98*.
Identifiers: ClinVar variation 1076972 (VCV001076972.8), dbSNP rs1271784136, ClinGen allele CA374428609.

ClinVar aggregate classification (germline): Pathogenic/Likely pathogenic. Review status: criteria provided, multiple submitters, no conflicts (2 of 4 stars). 2 submissions from 2 submitters: Pathogenic (1); Likely pathogenic (1). Last evaluated 2024-08-28.

Conditions:
Familial dysautonomia. Also called: FD; HSAN III. Identifiers: Orphanet 1764, MedGen C0013364, MONDO:0009131, OMIM 223900. Disease mechanism: loss of function.

gnomAD v4.1: 2 of 1,614,018 alleles (0.00012%); highest among the groups gnomAD compares: Non-Finnish European, 0.00017%; no homozygotes.

Submissions (2):

Natera, Inc.
Classification: Likely pathogenic for Familial dysautonomia. Last evaluated: 2024-08-28. Review status: criteria provided, single submitter. Criteria: Natera Variant Classification Schema (03/2026). Collection method: clinical testing. Allele origin: germline.
Comment: The c.1339C>T variant in ELP1 is a nonsense variant predicted to introduce a stop codon at amino acid 447. This variant is expected to result in nonsense mediated decay, truncation, or a dysfunctional protein product. This variant is rare in the general population with a frequency below the threshold expected for the associated phenotype(s). Given the available evidence, this variant is classified as Likely Pathogenic.

Labcorp Genetics (formerly Invitae), Labcorp
Classification: Pathogenic. Last evaluated: 2021-10-13. Review status: criteria provided, single submitter. Criteria: Invitae Variant Classification Sherloc (09022015). Collection method: clinical testing. Allele origin: germline.
Comment: This variant has not been reported in the literature in individuals with ELP1-related conditions. This sequence change creates a premature translational stop signal (p.Gln447*) in the ELP1 gene. It is expected to result in an absent or disrupted protein product. This variant is not present in population databases (ExAC no frequency). Loss-of-function variants in ELP1 are known to be pathogenic (PMID: 18303054, 24173031). For these reasons, this variant has been classified as Pathogenic.

Literature cited by the submitters: PubMed 18303054 (cited by Labcorp Genetics (formerly Invitae), Labcorp); PubMed 24173031 (cited by Labcorp Genetics (formerly Invitae), Labcorp).